The following is an entry in ClinVar:

NM_003467.3(CXCR4):c.415G>A (p.Val139Ile)

Gene: CXCR4 (C-X-C motif chemokine receptor 4; minus strand). Cytogenetic location: 2q22.1.
Variant type: single nucleotide variant.
Coding change: c.415G>A on transcript NM_003467.3 (MANE Select); coding-DNA position 415, G replaced by A.
Protein change: p.Val139Ile; replaces valine 139 with isoleucine.
Molecular consequence: missense variant.
Genome position (GRCh38, 1-based): chr2:136,115,513, C>T on the plus strand (G>A on the coding strand, the complement: CXCR4 is on the minus strand). VCF-style: chr2-136115513-C-T. GRCh37 (hg19) VCF-style: chr2-136873083-C-T.
Other names: c.427G>A, p.Val143Ile (NM_001008540.2); c.628G>A, p.Val210Ile (NM_001348056.2); c.514G>A, p.Val172Ile (NM_001348059.2); c.370G>A, p.Val124Ile (NM_001348060.2); short protein forms V124I, V139I, V172I, V143I, V210I.
Identifiers: ClinVar variation 2203150 (VCV002203150.4), dbSNP rs1451071577, ClinGen allele CA348659157.

ClinVar aggregate classification (germline): Uncertain significance (1 of 4 stars; one submission).

Conditions:
Warts, hypogammaglobulinemia, infections, and myelokathexis. Also called: WHIM syndrome. Identifiers: MedGen C0472817, MONDO:0023880.

Allele frequency attached by ClinVar (database versions not stated): TOPMed 0.00001; gnomAD 0.00002.
gnomAD v4.1: 15 of 1,614,054 alleles (0.00093%); highest among the groups gnomAD compares: Admixed American, 0.0017%; no homozygotes.

Submission:

Labcorp Genetics (formerly Invitae), Labcorp
Classification: Uncertain significance for Warts, hypogammaglobulinemia, infections, and myelokathexis. Last evaluated: 2025-08-19. Review status: criteria provided, single submitter. Criteria: Invitae Variant Classification Sherloc (09022015). Collection method: clinical testing. Allele origin: germline.
Comment: This sequence change replaces valine, which is neutral and non-polar, with isoleucine, which is neutral and non-polar, at codon 139 of the CXCR4 protein (p.Val139Ile). This variant is present in population databases (no rsID available, gnomAD 0.003%). This variant has not been reported in the literature in individuals affected with CXCR4-related conditions. ClinVar contains an entry for this variant (Variation ID: 2203150). An algorithm developed to predict the effect of missense changes on protein structure and function (PolyPhen-2) suggests that this variant is likely to be disruptive. In summary, the available evidence is currently insufficient to determine the role of this variant in disease. Therefore, it has been classified as a Variant of Uncertain Significance.